The following is an entry in ClinVar:

NM_153704.6(TMEM67):c.2908-43C>T

Gene: TMEM67 (transmembrane protein 67; plus strand). Cytogenetic location: 8q22.1.
Variant type: single nucleotide variant.
Coding change: c.2908-43C>T on transcript NM_153704.6 (MANE Select); 43 bases into the intron before coding-DNA position 2908, C replaced by T.
Molecular consequence: intron variant.
Genome position (GRCh38, 1-based): chr8:93,816,329, C>T. VCF-style: chr8-93816329-C-T. GRCh37 (hg19) VCF-style: chr8-94828557-C-T.
Other names: c.2665-43C>T (NM_001142301.1).
Identifiers: ClinVar variation 262748 (VCV000262748.3), dbSNP rs56307046, ClinGen allele CA4808427.

ClinVar aggregate classification (germline): Benign/Likely benign. Review status: criteria provided, multiple submitters, no conflicts (2 of 4 stars). 3 submissions from 3 submitters: Benign (1); Likely benign (2). Last evaluated 2018-06-16.

Allele frequency attached by ClinVar (database versions not stated): gnomAD exomes 0.00463; ExAC 0.00561; ESP Exome Variant Server 0.01788; gnomAD 0.01847 and 0.01977; TOPMed 0.02098; 1000 Genomes Project 30x 0.02108; 1000 Genomes Project 0.02117.
gnomAD v4.1: 4,431 of 970,454 alleles (0.46%); highest among the groups gnomAD compares: African/African-American, 6.2%; 130 homozygotes.

Submissions (3):

GeneDx
Classification: Benign. Last evaluated: 2018-06-16. Review status: criteria provided, single submitter. Criteria: GeneDx Variant Classification (06012015). Collection method: clinical testing. Allele origin: germline. Affected: yes.
Comment: This variant is considered likely benign or benign based on one or more of the following criteria: it is a conservative change, it occurs at a poorly conserved position in the protein, it is predicted to be benign by multiple in silico algorithms, and/or has population frequency not consistent with disease.

Breakthrough Genomics
Classification: Likely benign. Review status: criteria provided, single submitter. Criteria: ACMG Guidelines, 2015. Collection method: not provided. Allele origin: germline. Inheritance: Autosomal recessive inheritance. Affected: yes.

PreventionGenetics, part of Exact Sciences
Classification: Likely benign. Review status: criteria provided, single submitter. Criteria: ACMG Guidelines, 2015. Collection method: clinical testing. Allele origin: germline.